The following is an entry in ClinVar:

ClinVar aggregate classification (germline): Uncertain significance. Review status: criteria provided, multiple submitters, no conflicts (2 of 4 stars). 2 submissions from 2 submitters: Uncertain significance (2). Last evaluated 2024-10-31.

Conditions:
Inborn genetic diseases. Identifiers: MedGen C0950123, MeSH D030342.
PKD1-related disorder. Also called: PKD1-related condition.

Allele frequency attached by ClinVar (database versions not stated): gnomAD exomes 0.00001.
gnomAD v4.1: 16 of 1,531,466 alleles (0.001%); highest among the groups gnomAD compares: South Asian, 0.013%; no homozygotes.

Submissions (2):

PreventionGenetics, part of Exact Sciences
Classification: Uncertain significance for PKD1-related condition. Last evaluated: 2024-10-31. Review status: criteria provided, single submitter. Criteria: ACMG Guidelines, 2015. Collection method: clinical testing. Allele origin: germline.
Comment: The PKD1 c.754C>T variant is predicted to result in the amino acid substitution p.Pro252Ser. To our knowledge, this variant has not been reported in the literature. This variant is reported in 0.0088% of alleles in individuals of South Asian descent in gnomAD. Of note, the p.Pro252 residue is weakly conserved and at this position is a serine (Ser) in mouse, chicken and frog. At this time, the clinical significance of this variant is uncertain due to the absence of conclusive functional and genetic evidence.

Ambry Genetics
Classification: Uncertain significance for Inborn genetic diseases. Last evaluated: 2024-02-27. Review status: criteria provided, single submitter. Criteria: Ambry Variant Classification Scheme 2023. Collection method: clinical testing. Allele origin: germline.

NM_001009944.3(PKD1):c.754C>T (p.Pro252Ser)

Gene: PKD1 (polycystin 1, transient receptor potential channel interacting; minus strand). Cytogenetic location: 16p13.3.
Variant type: single nucleotide variant.
Coding change: c.754C>T on transcript NM_001009944.3 (MANE Select); coding-DNA position 754, C replaced by T.
Protein change: p.Pro252Ser; replaces proline 252 with serine.
Molecular consequence: missense variant.
Genome position (GRCh38, 1-based): chr16:2,118,238, G>A on the plus strand (C>T on the coding strand, the complement: PKD1 is on the minus strand). VCF-style: chr16-2118238-G-A. GRCh37 (hg19) VCF-style: chr16-2168239-G-A.
Other names: c.754C>T, p.Pro252Ser (NM_000296.4); short protein forms P252S.
Identifiers: ClinVar variation 3213512 (VCV003213512.2), dbSNP rs1308219514, ClinGen allele CA394394341.
Genomic context (GRCh38, chr16:2,118,238, plus strand): 5'-AGGCAGGGAAGACGTGCTGGAGGAGGGTGGGGCCCCTACAGGTGGGGGCAGGAGGTGGCG[G>A]GGGGCCGGAGCAGAGGGACAGGCAGGCAAAGGAGGCACTGGAGGGCTGGGCCGCCCCACA-3'
Protein context (NP_001009944.3, residues 242-262): FACLSLCSGP[Pro252Ser]PPPAPTCRGP